The following is an entry in ClinVar:

ClinVar aggregate classification (germline): Uncertain significance (1 of 4 stars; one submission).

Allele frequency attached by ClinVar (database versions not stated): gnomAD exomes below 0.00001.

Submission:

Labcorp Genetics (formerly Invitae), Labcorp
Classification: Uncertain significance. Last evaluated: 2022-01-16. Review status: criteria provided, single submitter. Criteria: Invitae Variant Classification Sherloc (09022015). Collection method: clinical testing. Allele origin: germline.
Comment: In summary, the available evidence is currently insufficient to determine the role of this variant in disease. Therefore, it has been classified as a Variant of Uncertain Significance. Algorithms developed to predict the effect of missense changes on protein structure and function are either unavailable or do not agree on the potential impact of this missense change (SIFT: "Deleterious"; PolyPhen-2: "Benign"; Align-GVGD: "Class C0"). This variant has not been reported in the literature in individuals affected with SLC34A1-related conditions. This variant is present in population databases (no rsID available, gnomAD 0.0009%). This sequence change replaces isoleucine, which is neutral and non-polar, with serine, which is neutral and polar, at codon 304 of the SLC34A1 protein (p.Ile304Ser).

NM_003052.5(SLC34A1):c.911T>G (p.Ile304Ser)

Gene: SLC34A1 (solute carrier family 34 member 1; plus strand). Cytogenetic location: 5q35.3.
Variant type: single nucleotide variant.
Coding change: c.911T>G on transcript NM_003052.5 (MANE Select); coding-DNA position 911, T replaced by G.
Protein change: p.Ile304Ser; replaces isoleucine 304 with serine.
Molecular consequence: missense variant.
Genome position (GRCh38, 1-based): chr5:177,388,347, T>G. VCF-style: chr5-177388347-T-G. GRCh37 (hg19) VCF-style: chr5-176815348-T-G.
Other names: c.911T>G, p.Ile304Ser (NM_001167579.2); short protein forms I304S.
Identifiers: ClinVar variation 2043200 (VCV002043200.4), dbSNP rs1199465586, ClinGen allele CA362366183.